The following is an entry in ClinVar:

NM_000264.5(PTCH1):c.1710G>T (p.Leu570=)

Gene: PTCH1 (patched 1; minus strand). Cytogenetic location: 9q22.32.
Variant type: single nucleotide variant.
Coding change: c.1710G>T on transcript NM_000264.5 (MANE Select); coding-DNA position 1710, G replaced by T.
Protein change: p.Leu570=; no amino-acid change (leucine 570 retained).
Molecular consequence: synonymous variant. On other transcripts: non-coding transcript variant (1).
Genome position (GRCh38, 1-based): chr9:95,476,052, C>A on the plus strand (G>T on the coding strand, the complement: PTCH1 is on the minus strand). VCF-style: chr9-95476052-C-A. GRCh37 (hg19) VCF-style: chr9-98238334-C-A.
Other names: c.1512G>T, p.Leu504= (NM_001083602.3); c.1707G>T, p.Leu569= (NM_001083603.3); c.1257G>T, p.Leu419= (NM_001083604.3, NM_001083605.3, NM_001083606.3 and 1 more transcripts); c.1554G>T, p.Leu518= (NM_001354918.2).
Identifiers: ClinVar variation 255671 (VCV000255671.22), dbSNP rs374924167, ClinGen allele CA5138575.

ClinVar aggregate classification (germline): Benign/Likely benign. Review status: criteria provided, multiple submitters, no conflicts (2 of 4 stars). 7 submissions from 6 submitters: Benign (2); Likely benign (5). Last evaluated 2026-01-07.

Conditions:
Basal cell nevus syndrome 1 (BCNS1). Also called: GORLIN-GOLTZ SYNDROME; MULTIPLE BASAL CELL NEVI, ODONTOGENIC KERATOCYSTS, AND SKELETAL ANOMALIES. Identifiers: MedGen CN376810, MONDO:0958174, OMIM 109400.
Holoprosencephaly 7 (HPE7). Identifiers: Orphanet 2162, MedGen C1835820, MONDO:0012562, OMIM 610828.
Basal cell carcinoma, susceptibility to, 1. Also called: BCC1. Identifiers: MedGen C2751544, MONDO:0011556, OMIM 605462.
Hereditary cancer-predisposing syndrome. Also called: Neoplastic Syndromes, Hereditary; Hereditary neoplastic syndrome; Hereditary Cancer Syndrome; Tumor predisposition. Identifiers: Orphanet 140162, MedGen C0027672, MeSH D009386, MONDO:0015356.
Gorlin syndrome. Also called: Basal cell nevus syndrome; Nevoid Basal Cell Carcinoma Syndrome. Identifiers: Orphanet 377, MedGen C0004779, MONDO:0007187.

Allele frequency attached by ClinVar (database versions not stated): gnomAD 0.00004 and 0.00005; TOPMed 0.00007; ESP Exome Variant Server 0.00008; 1000 Genomes Project 0.00020; 1000 Genomes Project 30x 0.00031.
gnomAD v4.1: 127 of 1,614,036 alleles (0.0079%); highest among the groups gnomAD compares: Admixed American, 0.015%; no homozygotes.

Submissions (7):

Labcorp Genetics (formerly Invitae), Labcorp
Classification: Benign for Gorlin syndrome. Last evaluated: 2026-01-07. Review status: criteria provided, single submitter. Criteria: Invitae Variant Classification Sherloc (09022015). Collection method: clinical testing. Allele origin: germline.

Department of Pathology and Laboratory Medicine, Sinai Health System
Classification: Likely benign for Basal cell nevus syndrome 1; Basal cell carcinoma, susceptibility to, 1; Holoprosencephaly 7. Last evaluated: 2025-02-10. Review status: criteria provided, single submitter. Criteria: ACMG Guidelines, 2015. Collection method: clinical testing. Allele origin: germline.

Sema4
Classification: Likely benign for Hereditary cancer-predisposing syndrome. Last evaluated: 2022-01-08. Review status: criteria provided, single submitter. Criteria: Sema4 Curation Guidelines. Collection method: curation. Allele origin: germline.

Ambry Genetics
Classification: Likely benign for Hereditary cancer-predisposing syndrome. Last evaluated: 2019-01-04. Review status: criteria provided, single submitter. Criteria: Ambry Variant Classification Scheme 2023. Collection method: clinical testing. Allele origin: germline.

Illumina Laboratory Services, Illumina
Classification: Likely benign for Holoprosencephaly 7. Last evaluated: 2018-01-12. Review status: criteria provided, single submitter. Criteria: ICSL Variant Classification Criteria 13 December 2019. Collection method: clinical testing. Allele origin: germline.
Comment: This variant was observed in the ICSL laboratory as part of a predisposition screen in an ostensibly healthy population. It had not been previously curated by ICSL or reported in the Human Gene Mutation Database (HGMD: prior to June 1st, 2018), and was therefore a candidate for classification through an automated scoring system. Utilizing variant allele frequency, disease prevalence and penetrance estimates, and inheritance mode, an automated score was calculated to assess if this variant is too frequent to cause the disease. Based on the score and internal cut-off values, a variant classified as likely benign is not then subjected to further curation. The score for this variant resulted in a classification of likely benign for this disease.

Illumina Laboratory Services, Illumina
Classification: Benign for Basal cell nevus syndrome 1. Last evaluated: 2018-01-12. Review status: criteria provided, single submitter. Criteria: ICSL Variant Classification Criteria 13 December 2019. Collection method: clinical testing. Allele origin: germline.
Comment: This variant was observed in the ICSL laboratory as part of a predisposition screen in an ostensibly healthy population. It had not been previously curated by ICSL or reported in the Human Gene Mutation Database (HGMD: prior to June 1st, 2018), and was therefore a candidate for classification through an automated scoring system. Utilizing variant allele frequency, disease prevalence and penetrance estimates, and inheritance mode, an automated score was calculated to assess if this variant is too frequent to cause the disease. Based on the score and internal cut-off values, a variant classified as benign is not then subjected to further curation. The score for this variant resulted in a classification of benign for this disease.

PreventionGenetics, part of Exact Sciences
Classification: Likely benign. Review status: criteria provided, single submitter. Criteria: ACMG Guidelines, 2015. Collection method: clinical testing. Allele origin: germline.